The following is an entry in ClinVar:

ClinVar aggregate classification (germline): Conflicting classifications of pathogenicity. Review status: criteria provided, conflicting classifications (1 of 4 stars). 2 submissions from 2 submitters: Likely pathogenic (1); Uncertain significance (1). Last evaluated 2025-10-09.

Conditions:
SAMD9L-associated autoinflammatory syndrome. Identifiers: Orphanet 619367, MedGen C5680414, MONDO:0850066.

Submissions (2):

Undiagnosed Diseases Network, NIH
Classification: Likely pathogenic for SAMD9L-associated autoinflammatory syndrome. Last evaluated: 2025-10-09. Review status: criteria provided, single submitter. Criteria: ACMG Guidelines, 2015. Collection method: clinical testing. Allele origin: de novo. Affected: yes. Observed: 1 variant allele, 1 heterozygote. Study: Undiagnosed Diseases Network (NIH), UDN.

Labcorp Genetics (formerly Invitae), Labcorp
Classification: Uncertain significance. Last evaluated: 2024-03-13. Review status: criteria provided, single submitter. Criteria: Invitae Variant Classification Sherloc (09022015). Collection method: clinical testing. Allele origin: germline.
Comment: This sequence change creates a premature translational stop signal (p.His880Glnfs*11) in the SAMD9L gene. While this is not anticipated to result in nonsense mediated decay, it is expected to disrupt the last 705 amino acid(s) of the SAMD9L protein. This variant is not present in population databases (gnomAD no frequency). This variant has not been reported in the literature in individuals affected with SAMD9L-related conditions. Experimental studies and prediction algorithms are not available or were not evaluated, and the functional significance of this variant is currently unknown. In summary, the available evidence is currently insufficient to determine the role of this variant in disease. Therefore, it has been classified as a Variant of Uncertain Significance.

NM_152703.5(SAMD9L):c.2640del (p.His880fs)

Gene: SAMD9L (sterile alpha motif domain containing 9 like; minus strand). Cytogenetic location: 7q21.2.
Variant type: Deletion.
Coding change: c.2640del on transcript NM_152703.5 (MANE Select); coding-DNA position 2640, one base deleted (C; older notation c.2640delC).
Protein change: p.His880fs; shifts the reading frame from histidine 880.
Molecular consequence: frameshift variant.
Genome position (GRCh38, 1-based): chr7:93,133,332, G deleted on the plus strand (C on the coding strand, the reverse complement: SAMD9L is on the minus strand). VCF-style (leftmost placement, unchanged base first): chr7-93133331-TG-T. GRCh37 (hg19) VCF-style: chr7-92762644-TG-T.
Other names: p.H880Qfs*11; c.2640del, p.His880fs (NM_001303496.3, NM_001303497.3, NM_001303498.3 and 5 more transcripts); short protein forms H880fs.
Identifiers: ClinVar variation 3645795 (VCV003645795.3).